The following is an entry in ClinVar:

ClinVar aggregate classification (germline): Uncertain significance (1 of 4 stars; one submission).

Conditions:
Brachyolmia-amelogenesis imperfecta syndrome. Also called: PLATYSPONDYLY WITH AMELOGENESIS IMPERFECTA; Tooth agenesis, selective, 6; Dental anomalies and short stature. Identifiers: Orphanet 2899, MedGen C1832594, MONDO:0011018, OMIM 601216. Disease mechanism: loss of function.

gnomAD v4.1: 12 of 1,586,948 alleles (0.00076%); highest among the groups gnomAD compares: Non-Finnish European, 0.001%; no homozygotes.

Submission:

Labcorp Genetics (formerly Invitae), Labcorp
Classification: Uncertain significance for Brachyolmia-amelogenesis imperfecta syndrome. Last evaluated: 2025-04-09. Review status: criteria provided, single submitter. Criteria: Invitae Variant Classification Sherloc (09022015). Collection method: clinical testing. Allele origin: germline.
Comment: This sequence change replaces glycine, which is neutral and non-polar, with arginine, which is basic and polar, at codon 1049 of the LTBP3 protein (p.Gly1049Arg). The frequency data for this variant in the population databases is considered unreliable, as metrics indicate poor data quality at this position in the gnomAD database. This variant has not been reported in the literature in individuals affected with LTBP3-related conditions. An algorithm developed to predict the effect of missense changes on protein structure and function (PolyPhen-2) suggests that this variant is likely to be disruptive. In summary, the available evidence is currently insufficient to determine the role of this variant in disease. Therefore, it has been classified as a Variant of Uncertain Significance.

NM_001130144.3(LTBP3):c.3145G>A (p.Gly1049Arg)

Genes: LTBP3 (latent transforming growth factor beta binding protein 3; minus strand), LOC121832793 (Sharpr-MPRA regulatory region 4001; plus strand). Cytogenetic location: 11q13.1.
Variant type: single nucleotide variant.
Coding change: c.3145G>A on transcript NM_001130144.3 (MANE Select); coding-DNA position 3145, G replaced by A.
Protein change: p.Gly1049Arg; replaces glycine 1049 with arginine.
Molecular consequence: missense variant.
Genome position (GRCh38, 1-based): chr11:65,540,344, C>T on the plus strand (G>A on the coding strand, the complement: LTBP3 is on the minus strand). VCF-style: chr11-65540344-C-T. GRCh37 (hg19) VCF-style: chr11-65307815-C-T.
Other names: c.2794G>A, p.Gly932Arg (NM_001164266.1); c.3145G>A, p.Gly1049Arg (NM_021070.4); short protein forms G1049R, G932R.
Identifiers: ClinVar variation 4752283 (VCV004752283.1).